The following is an entry in ClinVar:

ClinVar aggregate classification (germline): Uncertain significance. Review status: criteria provided, multiple submitters, no conflicts (2 of 4 stars). 2 submissions from 2 submitters: Uncertain significance (2). Last evaluated 2026-06-25.

Conditions:
PCNT-related disorder. Also called: PCNT-related condition.
Inborn genetic diseases. Identifiers: MedGen C0950123, MeSH D030342.

gnomAD v4.1: 18 of 1,605,716 alleles (0.0011%); highest among the groups gnomAD compares: Admixed American, 0.0067%; no homozygotes.

Submissions (2):

PreventionGenetics, part of Exact Sciences
Classification: Uncertain significance for PCNT-related condition. Last evaluated: 2026-06-25. Review status: criteria provided, single submitter. Criteria: ACMG Guidelines, 2015. Collection method: clinical testing. Allele origin: germline.
Comment: The PCNT c.7657G>A variant is predicted to result in the amino acid substitution p.Gly2553Arg. To our knowledge, this variant has not been reported in the literature. This variant is reported in 0.0086% of alleles in individuals of Latino descent in gnomAD. At this time, the clinical significance of this variant is uncertain due to the absence of conclusive functional and genetic evidence.

Ambry Genetics
Classification: Uncertain significance for Inborn genetic diseases. Last evaluated: 2025-09-11. Review status: criteria provided, single submitter. Criteria: Ambry Variant Classification Scheme 2023. Collection method: clinical testing. Allele origin: germline.

NM_006031.6(PCNT):c.7657G>A (p.Gly2553Arg)

Gene: PCNT (pericentrin; plus strand). Cytogenetic location: 21q22.3.
Variant type: single nucleotide variant.
Coding change: c.7657G>A on transcript NM_006031.6 (MANE Select); coding-DNA position 7657, G replaced by A.
Protein change: p.Gly2553Arg; replaces glycine 2553 with arginine.
Molecular consequence: missense variant.
Genome position (GRCh38, 1-based): chr21:46,428,557, G>A. VCF-style: chr21-46428557-G-A. GRCh37 (hg19) VCF-style: chr21-47848471-G-A.
Other names: c.7303G>A, p.Gly2435Arg (NM_001315529.2); short protein forms G2435R, G2553R.
Identifiers: ClinVar variation 4133365 (VCV004133365.2).